The following is an entry in ClinVar:

NM_000501.4(ELN):c.1389A>G (p.Lys463=)

Gene: ELN (elastin; plus strand). Cytogenetic location: 7q11.23.
Variant type: single nucleotide variant.
Coding change: c.1389A>G on transcript NM_000501.4 (MANE Select); coding-DNA position 1389, A replaced by G.
Protein change: p.Lys463=; no amino-acid change (lysine 463 retained).
Molecular consequence: synonymous variant. On other transcripts: intron variant (7).
Genome position (GRCh38, 1-based): chr7:74,057,671, A>G. VCF-style: chr7-74057671-A-G. GRCh37 (hg19) VCF-style: chr7-73472001-A-G.
Other names: c.1404A>G, p.Lys468= (NM_001081754.3); c.1389A>G, p.Lys463= (NM_001278912.2, NM_001278915.2); c.1359A>G, p.Lys453= (NM_001278917.2); c.1476A>G, p.Lys492= (NM_001278939.2); c.1372+958A>G (NM_001081753.3); c.1357+958A>G (NM_001081755.3); c.1315+958A>G (NM_001278916.2); c.1171+958A>G (NM_001278913.2); and 3 more.
Identifiers: ClinVar variation 3052790 (VCV003052790.2), dbSNP rs2486128144, ClinGen allele CA455885043.

ClinVar aggregate classification (germline): Likely benign (0 of 4 stars; one submission).

Conditions:
ELN-related disorder.

Submission:

PreventionGenetics, part of Exact Sciences
Classification: Likely benign for ELN-related condition. Last evaluated: 2020-05-01. Review status: no assertion criteria provided. Collection method: clinical testing. Allele origin: germline.
Comment: This variant is classified as likely benign based on ACMG/AMP sequence variant interpretation guidelines (Richards et al. 2015 PMID: 25741868, with internal and published modifications).